The following is an entry in ClinVar:

NM_139058.3(ARX):c.646G>C (p.Ala216Pro)

Gene: ARX (aristaless related homeobox; minus strand). Cytogenetic location: Xp21.3.
Variant type: single nucleotide variant.
Coding change: c.646G>C on transcript NM_139058.3 (MANE Select); coding-DNA position 646, G replaced by C.
Protein change: p.Ala216Pro; replaces alanine 216 with proline.
Molecular consequence: missense variant.
Genome position (GRCh38, 1-based): chrX:25,013,349, C>G on the plus strand (G>C on the coding strand, the complement: ARX is on the minus strand). VCF-style: chrX-25013349-C-G. GRCh37 (hg19) VCF-style: chrX-25031466-C-G.
Other names: short protein forms A216P.
Identifiers: ClinVar variation 3340260 (VCV003340260.1).
Genomic context (GRCh38, chrX:25,013,349, plus strand): 5'-CTTCTTCGTCCTCCAGCAGCTCCTCCTCGTCGTCCTCGGTGCCGGTGCCACCACCCGCAG[C>G]CGGGGCGCTGCCCGGGCCGCCGGCCACGCCGAGGCGCTCCTCCGGGTGCGTGACGCCCCC-3'
Protein context (NP_620689.1, residues 206-226): GVAGGPGSAP[Ala216Pro]AGGGTGTEDD

ClinVar aggregate classification (germline): Uncertain significance (1 of 4 stars; one submission).

Submission:

GeneDx
Classification: Uncertain significance. Last evaluated: 2023-08-07. Review status: criteria provided, single submitter. Criteria: GeneDx Variant Classification Process June 2021. Collection method: clinical testing. Allele origin: germline. Affected: yes.
Comment: Has not been previously published as pathogenic or benign to our knowledge; Not observed at significant frequency in large population cohorts (gnomAD); In silico analysis supports that this missense variant does not alter protein structure/function